The following is an entry in ClinVar:

ClinVar aggregate classification (germline): Uncertain significance (1 of 4 stars; one submission).

Conditions:
Hereditary cancer-predisposing syndrome. Also called: Neoplastic Syndromes, Hereditary; Hereditary Cancer Syndrome; Tumor predisposition; Hereditary neoplastic syndrome. Identifiers: Orphanet 140162, MedGen C0027672, MeSH D009386, MONDO:0015356.

Submission:

Ambry Genetics
Classification: Uncertain significance for Hereditary cancer-predisposing syndrome. Last evaluated: 2025-01-17. Review status: criteria provided, single submitter. Criteria: Ambry Variant Classification Scheme 2023. Collection method: clinical testing. Allele origin: germline.
Comment: The p.E127V variant (also known as c.380A>T), located in coding exon 2 of the PTCH1 gene, results from an A to T substitution at nucleotide position 380. The glutamic acid at codon 127 is replaced by valine, an amino acid with dissimilar properties. This amino acid position is conserved. In addition, the in silico prediction for this alteration is inconclusive. Based on the available evidence, the clinical significance of this variant remains unclear.

NM_000264.5(PTCH1):c.380A>T (p.Glu127Val)

Gene: PTCH1 (patched 1; minus strand). Cytogenetic location: 9q22.32.
Variant type: single nucleotide variant.
Coding change: c.380A>T on transcript NM_000264.5 (MANE Select); coding-DNA position 380, A replaced by T.
Protein change: p.Glu127Val; replaces glutamic acid 127 with valine.
Molecular consequence: missense variant. On other transcripts: 5 prime UTR variant (4), non-coding transcript variant (1).
Genome position (GRCh38, 1-based): chr9:95,506,421, T>A on the plus strand (A>T on the coding strand, the complement: PTCH1 is on the minus strand). VCF-style: chr9-95506421-T-A. GRCh37 (hg19) VCF-style: chr9-98268703-T-A.
Other names: c.182A>T, p.Glu61Val (NM_001083602.3, NM_001354919.2); c.377A>T, p.Glu126Val (NM_001083603.3); c.-74A>T (NM_001083604.3, NM_001083605.3, NM_001083606.3 and 1 more transcripts); c.380A>T, p.Glu127Val (NM_001354918.2); short protein forms E61V, E126V, E127V.
Identifiers: ClinVar variation 3784640 (VCV003784640.1).